The following is an entry in ClinVar:

ClinVar aggregate classification (germline): Uncertain significance (1 of 4 stars; one submission).

Allele frequency attached by ClinVar (database versions not stated): gnomAD exomes below 0.00001.
gnomAD v4.1: 1 of 1,611,764 alleles (0.000062%); no homozygotes.

Submission:

Ambry Genetics
Classification: Uncertain significance. Last evaluated: 2024-03-14. Review status: criteria provided, single submitter. Criteria: Ambry Variant Classification Scheme 2023. Collection method: clinical testing. Allele origin: germline.
Comment: The p.D1230N variant (also known as c.3688G>A), located in coding exon 16 of the POLQ gene, results from a G to A substitution at nucleotide position 3688. The aspartic acid at codon 1230 is replaced by asparagine, an amino acid with highly similar properties. This amino acid position is conserved. In addition, this alteration is predicted to be tolerated by in silico analysis. Based on the available evidence, the clinical significance of this alteration remains unclear.

NM_199420.4(POLQ):c.3688G>A (p.Asp1230Asn)

Gene: POLQ (DNA polymerase theta; minus strand). Cytogenetic location: 3q13.33.
Variant type: single nucleotide variant.
Coding change: c.3688G>A on transcript NM_199420.4 (MANE Select); coding-DNA position 3688, G replaced by A.
Protein change: p.Asp1230Asn; replaces aspartic acid 1230 with asparagine.
Molecular consequence: missense variant.
Genome position (GRCh38, 1-based): chr3:121,489,243, C>T on the plus strand (G>A on the coding strand, the complement: POLQ is on the minus strand). VCF-style: chr3-121489243-C-T. GRCh37 (hg19) VCF-style: chr3-121208090-C-T.
Other names: short protein forms D1230N.
Identifiers: ClinVar variation 3229955 (VCV003229955.1), dbSNP rs2546787076, ClinGen allele CA354098023.